The following is an entry in ClinVar:

ClinVar aggregate classification (germline): Uncertain significance. Review status: criteria provided, multiple submitters, no conflicts (2 of 4 stars). 2 submissions from 2 submitters: Uncertain significance (2). Last evaluated 2025-09-03.

Conditions:
Hereditary cancer-predisposing syndrome. Also called: Hereditary neoplastic syndrome; Tumor predisposition; Neoplastic Syndromes, Hereditary; Hereditary Cancer Syndrome. Identifiers: Orphanet 140162, MedGen C0027672, MeSH D009386, MONDO:0015356.
Hereditary breast ovarian cancer syndrome. Also called: Hereditary breast and ovarian cancer; Hereditary breast and/or ovarian cancer syndrome; Breast and ovarian cancer; BRCA1- and BRCA2-Associated Hereditary Breast and Ovarian Cancer; Hereditary breast and ovarian cancer syndrome; Hereditary breast and ovarian cancer syndrome (HBOC). Identifiers: Orphanet 145, MedGen C0677776, MeSH D061325, MONDO:0003582. Disease mechanism: loss of function.

gnomAD v4.1: 1 of 1,613,896 alleles (0.000062%); highest among the groups gnomAD compares: Admixed American, 0.0017%; no homozygotes.

Submissions (2):

Labcorp Genetics (formerly Invitae), Labcorp
Classification: Uncertain significance for Hereditary breast ovarian cancer syndrome. Last evaluated: 2025-09-03. Review status: criteria provided, single submitter. Criteria: Invitae Variant Classification Sherloc (09022015). Collection method: clinical testing. Allele origin: germline.
Comment: This sequence change replaces aspartic acid, which is acidic and polar, with valine, which is neutral and non-polar, at codon 3142 of the BRCA2 protein (p.Asp3142Val). This variant is present in population databases (no rsID available, gnomAD 0.1%). This variant has not been reported in the literature in individuals affected with BRCA2-related conditions. ClinVar contains an entry for this variant (Variation ID: 654321). Invitae Evidence Modeling of protein sequence and biophysical properties (such as structural, functional, and spatial information, amino acid conservation, physicochemical variation, residue mobility, and thermodynamic stability) indicates that this missense variant is not expected to disrupt BRCA2 protein function with a negative predictive value of 95%. In summary, the available evidence is currently insufficient to determine the role of this variant in disease. Therefore, it has been classified as a Variant of Uncertain Significance.

Ambry Genetics
Classification: Uncertain significance for Hereditary cancer-predisposing syndrome. Last evaluated: 2024-10-01. Review status: criteria provided, single submitter. Criteria: Ambry Variant Classification Scheme 2023. Collection method: clinical testing. Allele origin: germline.
Comment: The p.D3142V variant (also known as c.9425A>T), located in coding exon 24 of the BRCA2 gene, results from an A to T substitution at nucleotide position 9425. The aspartic acid at codon 3142 is replaced by valine, an amino acid with highly dissimilar properties. This amino acid position is not well conserved in available vertebrate species. In addition, this alteration is predicted to be deleterious by in silico analysis. Based on the available evidence, the clinical significance of this variant remains unclear.

NM_000059.4(BRCA2):c.9425A>T (p.Asp3142Val)

Gene: BRCA2 (BRCA2 DNA repair associated; plus strand). Cytogenetic location: 13q13.1.
Variant type: single nucleotide variant.
Coding change: c.9425A>T on transcript NM_000059.4 (MANE Select); coding-DNA position 9425, A replaced by T.
Protein change: p.Asp3142Val; replaces aspartic acid 3142 with valine.
Molecular consequence: missense variant.
Genome position (GRCh38, 1-based): chr13:32,394,857, A>T. VCF-style: chr13-32394857-A-T. GRCh37 (hg19) VCF-style: chr13-32968994-A-T.
Other names: short protein forms D3142V.
Identifiers: ClinVar variation 654321 (VCV000654321.9), dbSNP rs80359216, ClinGen allele CA387761484.